The following is an entry in ClinVar:

ClinVar aggregate classification (germline): Uncertain significance. Review status: criteria provided, multiple submitters, no conflicts (2 of 4 stars). 2 submissions from 2 submitters: Uncertain significance (2). Last evaluated 2025-11-28.

Conditions:
Inborn genetic diseases. Identifiers: MedGen C0950123, MeSH D030342.
Left ventricular noncompaction 8 (LVNC8). Identifiers: Orphanet 154, Orphanet 54260, MedGen C3809288, MONDO:0014152, OMIM 615373.

gnomAD v4.1: 2 of 1,613,842 alleles (0.00012%); highest among the groups gnomAD compares: African/African-American, 0.0013%; no homozygotes.

Submissions (2):

Labcorp Genetics (formerly Invitae), Labcorp
Classification: Uncertain significance for Left ventricular noncompaction 8. Last evaluated: 2025-11-28. Review status: criteria provided, single submitter. Criteria: Invitae Variant Classification Sherloc (09022015). Collection method: clinical testing. Allele origin: germline.
Comment: This sequence change replaces serine, which is neutral and polar, with cysteine, which is neutral and slightly polar, at codon 1054 of the PRDM16 protein (p.Ser1054Cys). This variant is not present in population databases (gnomAD no frequency). This variant has not been reported in the literature in individuals affected with PRDM16-related conditions. ClinVar contains an entry for this variant (Variation ID: 4143912). An algorithm developed to predict the effect of missense changes on protein structure and function (PolyPhen-2) suggests that this variant is likely to be disruptive. In summary, the available evidence is currently insufficient to determine the role of this variant in disease. Therefore, it has been classified as a Variant of Uncertain Significance.

Ambry Genetics
Classification: Uncertain significance for Inborn genetic diseases. Last evaluated: 2025-07-31. Review status: criteria provided, single submitter. Criteria: Ambry Variant Classification Scheme 2023. Collection method: clinical testing. Allele origin: germline.

NM_022114.4(PRDM16):c.3161C>G (p.Ser1054Cys)

Gene: PRDM16 (PR/SET domain 16; plus strand). Cytogenetic location: 1p36.32.
Variant type: single nucleotide variant.
Coding change: c.3161C>G on transcript NM_022114.4 (MANE Select); coding-DNA position 3161, C replaced by G.
Protein change: p.Ser1054Cys; replaces serine 1054 with cysteine.
Molecular consequence: missense variant.
Genome position (GRCh38, 1-based): chr1:3,426,102, C>G. VCF-style: chr1-3426102-C-G. GRCh37 (hg19) VCF-style: chr1-3342666-C-G.
Other names: c.3161C>G, p.Ser1054Cys (NM_199454.3); short protein forms S1054C.
Identifiers: ClinVar variation 4143912 (VCV004143912.2).
Genomic context (GRCh38, chr1:3,426,102, plus strand): 5'-CCTCCGCAGTGAGCCAGCACCCCGGGGTCCTCACGAACCACCTGGGGACCAGCGCGTCCT[C>G]TCCCACCTCAGAGTCGGACAACCACGCACTTTTAGACGAGAAAGAAGACTCTTATTTCTC-3'
Protein context (NP_071397.3, residues 1044-1064): LTNHLGTSAS[Ser1054Cys]PTSESDNHAL